The following is an entry in ClinVar:

ClinVar aggregate classification (germline): Uncertain significance. Review status: criteria provided, multiple submitters, no conflicts (2 of 4 stars). 2 submissions from 2 submitters: Uncertain significance (2). Last evaluated 2025-09-13.

Conditions:
Autosomal recessive limb-girdle muscular dystrophy type 2Q (LGMDR17). Also called: MUSCULAR DYSTROPHY, LIMB-GIRDLE, AUTOSOMAL RECESSIVE 17. Identifiers: Orphanet 254361, MedGen C3150989, MONDO:0013390, OMIM 613723.
Epidermolysis bullosa simplex, Ogna type (EBS5A). Also called: Pidermolysis bullosa simplex 5A, Ogna type; EPIDERMOLYSIS BULLOSA SIMPLEX 5A, OGNA TYPE. Identifiers: Orphanet 79401, MedGen C0432317, MONDO:0007555, OMIM 131950.
Epidermolysis bullosa simplex 5B, with muscular dystrophy (EBS5B). Also called: Epidermolysis bullosa simplex with muscular dystrophy; EPIDERMOLYSIS BULLOSA SIMPLEX AND LIMB-GIRDLE MUSCULAR DYSTROPHY. Identifiers: Orphanet 257, MedGen C2931072, MONDO:0009181, OMIM 226670.
Epidermolysis bullosa simplex with nail dystrophy (EBS5D). Identifiers: MedGen C4225309, MONDO:0014661, OMIM 616487.
Epidermolysis bullosa simplex 5C, with pyloric atresia (EBS5C). Also called: PLEC1-Related Epidermolysis Bullosa with Pyloric Atresia; PLEC-Related Epidermolysis Bullosa with Pyloric Atresia; Epidermolysis bullosa simplex with pyloric atresia. Identifiers: Orphanet 158684, MedGen C2677349, MONDO:0012807, OMIM 612138.
PLEC-related disorder. Also called: PLEC-related disorders; PLEC-related condition.

Allele frequency attached by ClinVar (database versions not stated): ExAC 0.00002; TOPMed 0.00003.
gnomAD v4.1: 31 of 1,584,706 alleles (0.002%); highest among the groups gnomAD compares: East Asian, 0.0092%; no homozygotes.

Submissions (2):

Labcorp Genetics (formerly Invitae), Labcorp
Classification: Uncertain significance for Autosomal recessive limb-girdle muscular dystrophy type 2Q; Epidermolysis bullosa simplex, Ogna type; Epidermolysis bullosa simplex with nail dystrophy; Epidermolysis bullosa simplex 5C, with pyloric atresia; Epidermolysis bullosa simplex 5B, with muscular dystrophy. Last evaluated: 2025-09-13. Review status: criteria provided, single submitter. Criteria: Invitae Variant Classification Sherloc (09022015). Collection method: clinical testing. Allele origin: germline.
Comment: This sequence change replaces arginine, which is basic and polar, with glutamine, which is neutral and polar, at codon 1207 of the PLEC protein (p.Arg1207Gln). The frequency data for this variant in the population databases is considered unreliable, as metrics indicate poor data quality at this position in the gnomAD database. This variant has not been reported in the literature in individuals affected with PLEC-related conditions. ClinVar contains an entry for this variant (Variation ID: 941916). Invitae Evidence Modeling of protein sequence and biophysical properties (such as structural, functional, and spatial information, amino acid conservation, physicochemical variation, residue mobility, and thermodynamic stability) indicates that this missense variant is not expected to disrupt PLEC protein function with a negative predictive value of 80%. In summary, the available evidence is currently insufficient to determine the role of this variant in disease. Therefore, it has been classified as a Variant of Uncertain Significance.

PreventionGenetics, part of Exact Sciences
Classification: Uncertain significance for PLEC-related condition. Last evaluated: 2025-03-12. Review status: criteria provided, single submitter. Criteria: ACMG Guidelines, 2015. Collection method: clinical testing. Allele origin: germline.
Comment: The PLEC c.3620G>A variant is predicted to result in the amino acid substitution p.Arg1207Gln. To our knowledge, this variant has not been reported in the literature. This variant is reported in 0.023% of alleles in individuals of East Asian descent in gnomAD. At this time, the clinical significance of this variant is uncertain due to the absence of conclusive functional and genetic evidence.

NM_201384.3(PLEC):c.3539G>A (p.Arg1180Gln)

Gene: PLEC (plectin; minus strand). Cytogenetic location: 8q24.3.
Variant type: single nucleotide variant.
Coding change: c.3539G>A on transcript NM_201384.3 (MANE Select); coding-DNA position 3539, G replaced by A.
Protein change: p.Arg1180Gln; replaces arginine 1180 with glutamine.
Molecular consequence: missense variant.
Genome position (GRCh38, 1-based): chr8:143,927,627, C>T on the plus strand (G>A on the coding strand, the complement: PLEC is on the minus strand). VCF-style: chr8-143927627-C-T. GRCh37 (hg19) VCF-style: chr8-145001795-C-T.
Other names: c.3620G>A, p.Arg1207Gln (NM_000445.5); c.3497G>A, p.Arg1166Gln (NM_201378.4); c.3473G>A, p.Arg1158Gln (NM_201379.3); c.3950G>A, p.Arg1317Gln (NM_201380.4); c.3443G>A, p.Arg1148Gln (NM_201381.3); c.3539G>A, p.Arg1180Gln (NM_201382.4); c.3551G>A, p.Arg1184Gln (NM_201383.3); short protein forms R1148Q, R1184Q, R1180Q, R1158Q, R1207Q, R1166Q, R1317Q.
Identifiers: ClinVar variation 941916 (VCV000941916.8), dbSNP rs782477789, ClinGen allele CA4927029.